The following is an entry in ClinVar:

NM_006922.4(SCN3A):c.2290C>G (p.Leu764Val)

Gene: SCN3A (sodium voltage-gated channel alpha subunit 3; minus strand). Cytogenetic location: 2q24.3.
Variant type: single nucleotide variant.
Coding change: c.2290C>G on transcript NM_006922.4 (MANE Select); coding-DNA position 2290, C replaced by G.
Protein change: p.Leu764Val; replaces leucine 764 with valine.
Molecular consequence: missense variant.
Genome position (GRCh38, 1-based): chr2:165,137,980, G>C on the plus strand (C>G on the coding strand, the complement: SCN3A is on the minus strand). VCF-style: chr2-165137980-G-C. GRCh37 (hg19) VCF-style: chr2-165994490-G-C.
Other names: c.2143C>G, p.Leu715Val (NM_001081676.2, NM_001081677.2); short protein forms L764V, L715V.
Identifiers: ClinVar variation 2998314 (VCV002998314.3), dbSNP rs1173899350, ClinGen allele CA349045162.

ClinVar aggregate classification (germline): Uncertain significance (1 of 4 stars; one submission).

gnomAD v4.1: 4 of 1,613,476 alleles (0.00025%); highest among the groups gnomAD compares: Non-Finnish European, 0.00034%; no homozygotes.

Submission:

Labcorp Genetics (formerly Invitae), Labcorp
Classification: Uncertain significance. Last evaluated: 2024-02-03. Review status: criteria provided, single submitter. Criteria: Invitae Variant Classification Sherloc (09022015). Collection method: clinical testing. Allele origin: germline.
Comment: This sequence change replaces leucine, which is neutral and non-polar, with valine, which is neutral and non-polar, at codon 764 of the SCN3A protein (p.Leu764Val). This variant is not present in population databases (gnomAD no frequency). This variant has not been reported in the literature in individuals affected with SCN3A-related conditions. Advanced modeling of protein sequence and biophysical properties (such as structural, functional, and spatial information, amino acid conservation, physicochemical variation, residue mobility, and thermodynamic stability) performed at Invitae indicates that this missense variant is expected to disrupt SCN3A protein function with a positive predictive value of 80%. In summary, the available evidence is currently insufficient to determine the role of this variant in disease. Therefore, it has been classified as a Variant of Uncertain Significance.